The following is an entry in ClinVar:

NM_006302.3(MOGS):c.568G>A (p.Val190Ile)

Gene: MOGS (mannosyl-oligosaccharide glucosidase; minus strand). Cytogenetic location: 2p13.1.
Variant type: single nucleotide variant.
Coding change: c.568G>A on transcript NM_006302.3 (MANE Select); coding-DNA position 568, G replaced by A.
Protein change: p.Val190Ile; replaces valine 190 with isoleucine.
Molecular consequence: missense variant.
Genome position (GRCh38, 1-based): chr2:74,464,507, C>T on the plus strand (G>A on the coding strand, the complement: MOGS is on the minus strand). VCF-style: chr2-74464507-C-T. GRCh37 (hg19) VCF-style: chr2-74691634-C-T.
Other names: c.250G>A, p.Val84Ile (NM_001146158.2); short protein forms V84I, V190I.
Identifiers: ClinVar variation 2090477 (VCV002090477.4), dbSNP rs752434033, ClinGen allele CA1724997.
Genomic context (GRCh38, chr2:74,464,507, plus strand): 5'-AAGGATGGAGGGGGTCTGGGCTGAGAAAAGGGTGTCCTGAGGCCCTGACCTGAGGCTCTA[C>T]AGTCACTCTCCAGCTCCAGTCCCCTCCGTGCTGACCCCCAGGCCTCTTGACGAACTCAGT-3'
Protein context (NP_006293.2, residues 180-200): HGGDWSWRVT[Val190Ile]EPQDSGTSAL

ClinVar aggregate classification (germline): Uncertain significance (1 of 4 stars; one submission).

Conditions:
MOGS-congenital disorder of glycosylation. Also called: CDG 2B; MOGS-CDG; CDG IIb; GLUCOSIDASE I DEFICIENCY. Identifiers: Orphanet 79330, MedGen C1853736, MONDO:0011629, OMIM 606056.

Allele frequency attached by ClinVar (database versions not stated): TOPMed below 0.00001; gnomAD 0.00001; gnomAD exomes 0.00001; ExAC 0.00003.

Submission:

Labcorp Genetics (formerly Invitae), Labcorp
Classification: Uncertain significance for MOGS-congenital disorder of glycosylation. Last evaluated: 2022-02-19. Review status: criteria provided, single submitter. Criteria: Invitae Variant Classification Sherloc (09022015). Collection method: clinical testing. Allele origin: germline.
Comment: This variant has not been reported in the literature in individuals affected with MOGS-related conditions. In summary, the available evidence is currently insufficient to determine the role of this variant in disease. Therefore, it has been classified as a Variant of Uncertain Significance. Algorithms developed to predict the effect of missense changes on protein structure and function (SIFT, PolyPhen-2, Align-GVGD) all suggest that this variant is likely to be tolerated. This variant is present in population databases (rs752434033, gnomAD 0.02%). This sequence change replaces valine, which is neutral and non-polar, with isoleucine, which is neutral and non-polar, at codon 190 of the MOGS protein (p.Val190Ile).